The following is an entry in ClinVar:

NM_001174150.2(ARL13B):c.538A>T (p.Lys180Ter)

Gene: ARL13B (ARF like GTPase 13B; plus strand). Cytogenetic location: 3q11.2.
Variant type: single nucleotide variant.
Coding change: c.538A>T on transcript NM_001174150.2 (MANE Select); coding-DNA position 538, A replaced by T.
Protein change: p.Lys180Ter; replaces lysine 180 with a stop codon.
Molecular consequence: nonsense. On other transcripts: non-coding transcript variant (2).
Genome position (GRCh38, 1-based): chr3:94,036,603, A>T. VCF-style: chr3-94036603-A-T. GRCh37 (hg19) VCF-style: chr3-93755447-A-T.
Other names: c.229A>T, p.Lys77Ter (NM_001174151.2); c.493A>T, p.Lys165Ter (NM_001321328.2); c.538A>T, p.Lys180Ter (NM_001410782.1, NM_182896.3); c.217A>T, p.Lys73Ter (NM_144996.4); short protein forms K165*, K180*, K73*, K77*.
Identifiers: ClinVar variation 2035764 (VCV002035764.4), dbSNP rs767905644, ClinGen allele CA353678214.

ClinVar aggregate classification (germline): Pathogenic (1 of 4 stars; one submission).

Conditions:
Joubert syndrome 8 (JBTS8). Identifiers: Orphanet 475, MedGen C2676771, MONDO:0012855, OMIM 612291.

Submission:

Labcorp Genetics (formerly Invitae), Labcorp
Classification: Pathogenic for Joubert syndrome 8. Last evaluated: 2024-12-21. Review status: criteria provided, single submitter. Criteria: Invitae Variant Classification Sherloc (09022015). Collection method: clinical testing. Allele origin: germline.
Comment: This sequence change creates a premature translational stop signal (p.Lys180*) in the ARL13B gene. It is expected to result in an absent or disrupted protein product. Loss-of-function variants in ARL13B are known to be pathogenic (PMID: 18674751). This variant is not present in population databases (gnomAD no frequency). This variant has not been reported in the literature in individuals affected with ARL13B-related conditions. ClinVar contains an entry for this variant (Variation ID: 2035764). For these reasons, this variant has been classified as Pathogenic.

Literature cited by the submitters: PubMed 18674751.